The following is an entry in ClinVar:

NM_145868.2(ANXA11):c.504G>A (p.Pro168=)

Gene: ANXA11 (annexin A11; minus strand). Cytogenetic location: 10q22.3.
Variant type: single nucleotide variant.
Coding change: c.504G>A on transcript NM_145868.2 (MANE Select); coding-DNA position 504, G replaced by A.
Protein change: p.Pro168=; no amino-acid change (proline 168 retained).
Molecular consequence: synonymous variant.
Genome position (GRCh38, 1-based): chr10:80,169,026, C>T on the plus strand (G>A on the coding strand, the complement: ANXA11 is on the minus strand). VCF-style: chr10-80169026-C-T. GRCh37 (hg19) VCF-style: chr10-81928782-C-T.
Other names: c.504G>A, p.Pro168= (NM_001157.3, NM_001278407.2, NM_001278408.2 and 1 more transcripts); c.405G>A, p.Pro135= (NM_001278409.2); c.504G>A (NM_145869.1).
Identifiers: ClinVar variation 1922808 (VCV001922808.7), dbSNP rs775743656, ClinGen allele CA5576267.

ClinVar aggregate classification (germline): Likely benign. Review status: criteria provided, single submitter (1 of 4 stars). 2 submissions from 2 submitters: Likely benign (1). 1 of the submissions does not count toward it. Last evaluated 2025-06-12.

Conditions:
ANXA11-related disorder. Also called: ANXA11-related condition.

Allele frequency attached by ClinVar (database versions not stated): ExAC 0.00001; gnomAD 0.00003; TOPMed 0.00004; gnomAD exomes 0.00005.
gnomAD v4.1: 76 of 1,547,088 alleles (0.0049%); highest among the groups gnomAD compares: Non-Finnish European, 0.0056%; no homozygotes.

Submissions (2):

Labcorp Genetics (formerly Invitae), Labcorp
Classification: Likely benign. Last evaluated: 2025-06-12. Review status: criteria provided, single submitter. Criteria: Invitae Variant Classification Sherloc (09022015). Collection method: clinical testing. Allele origin: germline.

PreventionGenetics, part of Exact Sciences
Classification: Likely benign for ANXA11-related condition. Last evaluated: 2019-09-18. Review status: no assertion criteria provided. Collection method: clinical testing. Allele origin: germline. Not counted in ClinVar's aggregate classification.
Comment: This variant is classified as likely benign based on ACMG/AMP sequence variant interpretation guidelines (Richards et al. 2015 PMID: 25741868, with internal and published modifications).